The following is an entry in ClinVar:

ClinVar aggregate classification (germline): Uncertain significance (1 of 4 stars; one submission).

gnomAD v4.1: 26 of 1,614,170 alleles (0.0016%); highest among the groups gnomAD compares: Non-Finnish European, 0.0022%; no homozygotes.

Submission:

Labcorp Genetics (formerly Invitae), Labcorp
Classification: Uncertain significance. Last evaluated: 2025-08-09. Review status: criteria provided, single submitter. Criteria: Invitae Variant Classification Sherloc (09022015). Collection method: clinical testing. Allele origin: germline.
Comment: This sequence change replaces proline, which is neutral and non-polar, with serine, which is neutral and polar, at codon 1062 of the ASXL1 protein (p.Pro1062Ser). This variant is present in population databases (rs776213974, gnomAD 0.003%). This variant has not been reported in the literature in individuals affected with ASXL1-related conditions. An algorithm developed to predict the effect of missense changes on protein structure and function outputs the following: PolyPhen-2: "Benign". The serine amino acid residue is found in multiple mammalian species, which suggests that this missense change does not adversely affect protein function. In summary, the available evidence is currently insufficient to determine the role of this variant in disease. Therefore, it has been classified as a Variant of Uncertain Significance.

NM_015338.6(ASXL1):c.3184C>T (p.Pro1062Ser)

Gene: ASXL1 (ASXL transcriptional regulator 1; plus strand). Cytogenetic location: 20q11.21.
Variant type: single nucleotide variant.
Coding change: c.3184C>T on transcript NM_015338.6 (MANE Select); coding-DNA position 3184, C replaced by T.
Protein change: p.Pro1062Ser; replaces proline 1062 with serine.
Molecular consequence: missense variant.
Genome position (GRCh38, 1-based): chr20:32,435,896, C>T. VCF-style: chr20-32435896-C-T. GRCh37 (hg19) VCF-style: chr20-31023699-C-T.
Other names: c.3001C>T, p.Pro1001Ser (NM_001363734.1); short protein forms P1062S, P1001S.
Identifiers: ClinVar variation 4702721 (VCV004702721.1).